The following is an entry in ClinVar:

ClinVar aggregate classification (germline): Benign. Review status: criteria provided, multiple submitters, no conflicts (2 of 4 stars). 5 submissions from 5 submitters: Benign (5). Last evaluated 2026-02-01.

Allele frequency attached by ClinVar (database versions not stated): gnomAD exomes 0.01256 and 0.01373; ExAC 0.01437; gnomAD 0.03086 and 0.03306; 1000 Genomes Project 0.03095; 1000 Genomes Project 30x 0.03232; ESP Exome Variant Server 0.03350; TOPMed 0.03586.
gnomAD v4.1: 23,256 of 1,613,968 alleles (1.4%); highest among the groups gnomAD compares: African/African-American, 8.4%; 434 homozygotes.

Submissions (5):

Labcorp Genetics (formerly Invitae), Labcorp
Classification: Benign. Last evaluated: 2026-02-01. Review status: criteria provided, single submitter. Criteria: Invitae Variant Classification Sherloc (09022015). Collection method: clinical testing. Allele origin: germline.

Mayo Clinic Laboratories, Mayo Clinic
Classification: Benign. Last evaluated: 2021-04-09. Review status: criteria provided, single submitter. Criteria: ACMG Guidelines, 2015. Collection method: clinical testing. Allele origin: germline. Observed: 4 variant alleles.

Athena Diagnostics
Classification: Benign. Last evaluated: 2019-03-30. Review status: criteria provided, single submitter. Criteria: Athena Diagnostics Criteria. Collection method: clinical testing. Allele origin: germline.

GeneDx
Classification: Benign. Last evaluated: 2017-08-25. Review status: criteria provided, single submitter. Criteria: GeneDx Variant Classification (06012015). Collection method: clinical testing. Allele origin: germline. Affected: yes.
Comment: This variant is considered likely benign or benign based on one or more of the following criteria: it is a conservative change, it occurs at a poorly conserved position in the protein, it is predicted to be benign by multiple in silico algorithms, and/or has population frequency not consistent with disease.

Laboratory for Molecular Medicine, Mass General Brigham Personalized Medicine
Classification: Benign. Last evaluated: 2017-08-23. Review status: criteria provided, single submitter. Criteria: LMM Criteria. Collection method: clinical testing. Allele origin: germline. Observed: 8 variant alleles.
Comment: p.Arg520Cys in exon 14 of FAM65B: This variant is not expected to have clinical significance because it has been identified in 8.65% (848/9800) of African chrom osomes by the Exome Aggregation Consortium (ExAC ; dbSNP rs35780910).

NM_001286445.3(RIPOR2):c.1495C>T (p.Arg499Cys)

Gene: RIPOR2 (RHO family interacting cell polarization regulator 2; minus strand). Cytogenetic location: 6p22.3.
Variant type: single nucleotide variant.
Coding change: c.1495C>T on transcript NM_001286445.3 (MANE Select); coding-DNA position 1495, C replaced by T.
Protein change: p.Arg499Cys; replaces arginine 499 with cysteine.
Molecular consequence: missense variant.
Genome position (GRCh38, 1-based): chr6:24,843,224, G>A on the plus strand (C>T on the coding strand, the complement: RIPOR2 is on the minus strand). VCF-style: chr6-24843224-G-A. GRCh37 (hg19) VCF-style: chr6-24843452-G-A.
Other names: c.1510C>T, p.Arg504Cys (NM_001286446.3); c.1408C>T, p.Arg470Cys (NM_001286447.2, NM_001346031.2, NM_001346032.2 and 1 more transcripts); c.1558C>T, p.Arg520Cys (NM_014722.5); short protein forms R520C, R499C, R504C, R470C.
Identifiers: ClinVar variation 508153 (VCV000508153.15), dbSNP rs35780910, ClinGen allele CA3659243.